The following is an entry in ClinVar:

ClinVar aggregate classification (germline): Likely benign. Review status: criteria provided, single submitter (1 of 4 stars). 2 submissions from 2 submitters: Likely benign (1). 1 of the submissions does not count toward it. Last evaluated 2023-10-02.

Conditions:
BAZ2B-related disorder. Also called: BAZ2B-related condition.
Inborn genetic diseases. Identifiers: MedGen C0950123, MeSH D030342.

Allele frequency attached by ClinVar (database versions not stated): TOPMed 0.00107; ESP Exome Variant Server 0.00169.
gnomAD v4.1: 1,435 of 1,600,676 alleles (0.09%); highest among the groups gnomAD compares: Middle Eastern, 0.15%; 26 homozygotes.

Submissions (2):

Ambry Genetics
Classification: Likely benign for Inborn genetic diseases. Last evaluated: 2023-10-02. Review status: criteria provided, single submitter. Criteria: Ambry Variant Classification Scheme 2023. Collection method: clinical testing. Allele origin: germline.

PreventionGenetics, part of Exact Sciences
Classification: Benign for BAZ2B-related condition. Last evaluated: 2019-07-01. Review status: no assertion criteria provided. Collection method: clinical testing. Allele origin: germline. Not counted in ClinVar's aggregate classification.
Comment: This variant is classified as benign based on ACMG/AMP sequence variant interpretation guidelines (Richards et al. 2015 PMID: 25741868, with internal and published modifications).

NM_013450.4(BAZ2B):c.4876G>C (p.Val1626Leu)

Genes: BAZ2B (bromodomain adjacent to zinc finger domain 2B; minus strand), LOC126806390 (CDK7 strongly-dependent group 2 enhancer GRCh37_chr2:160205700-160206899; plus strand). Cytogenetic location: 2q24.2.
Variant type: single nucleotide variant.
Coding change: c.4876G>C on transcript NM_013450.4 (MANE Select); coding-DNA position 4876, G replaced by C.
Protein change: p.Val1626Leu; replaces valine 1626 with leucine.
Molecular consequence: missense variant.
Genome position (GRCh38, 1-based): chr2:159,349,268, C>G on the plus strand (G>C on the coding strand, the complement: BAZ2B is on the minus strand). VCF-style: chr2-159349268-C-G. GRCh37 (hg19) VCF-style: chr2-160205779-C-G.
Other names: c.4768G>C, p.Val1590Leu (NM_001289975.1); c.4714G>C, p.Val1572Leu (NM_001329857.2); c.4801G>C, p.Val1601Leu (NM_001329858.2); c.4876G>C (NM_013450.2); short protein forms V1572L, V1590L, V1601L, V1626L.
Identifiers: ClinVar variation 3042891 (VCV003042891.3), dbSNP rs34745357, ClinGen allele CA1924032.